The following is an entry in ClinVar:

ClinVar aggregate classification (germline): Uncertain significance. Review status: criteria provided, multiple submitters, no conflicts (2 of 4 stars). 4 submissions from 4 submitters: Uncertain significance (2). 2 of the submissions do not count toward it. Last evaluated 2025-02-10.

Conditions:
WRN-related disorder. Also called: WRN-related condition.
Werner syndrome (WRN). Identifiers: Orphanet 902, MedGen C0043119, MONDO:0010196, OMIM 277700.

Allele frequency attached by ClinVar (database versions not stated): ExAC 0.00002; gnomAD 0.00002 and 0.00003; gnomAD exomes 0.00002; TOPMed 0.00002.

Submissions (4):

Labcorp Genetics (formerly Invitae), Labcorp
Classification: Uncertain significance for Werner syndrome. Last evaluated: 2025-02-10. Review status: criteria provided, single submitter. Criteria: Invitae Variant Classification Sherloc (09022015). Collection method: clinical testing. Allele origin: germline.
Comment: This sequence change replaces arginine, which is basic and polar, with histidine, which is basic and polar, at codon 196 of the WRN protein (p.Arg196His). The frequency data for this variant in the population databases is considered unreliable, as metrics indicate poor data quality at this position in the gnomAD database. This variant has not been reported in the literature in individuals affected with WRN-related conditions. ClinVar contains an entry for this variant (Variation ID: 135446). An algorithm developed to predict the effect of missense changes on protein structure and function (PolyPhen-2) suggests that this variant is likely to be disruptive. In summary, the available evidence is currently insufficient to determine the role of this variant in disease. Therefore, it has been classified as a Variant of Uncertain Significance.

Fulgent Genetics
Classification: Uncertain significance for Werner syndrome. Last evaluated: 2024-06-18. Review status: criteria provided, single submitter. Criteria: ACMG Guidelines, 2015. Collection method: clinical testing. Allele origin: germline.

PreventionGenetics, part of Exact Sciences
Classification: Uncertain significance for WRN-related condition. Last evaluated: 2024-03-21. Review status: no assertion criteria provided. Collection method: clinical testing. Allele origin: germline. Not counted in ClinVar's aggregate classification.
Comment: The WRN c.587G>A variant is predicted to result in the amino acid substitution p.Arg196His. This variant was reported in a cohort study of healthy adults with no personal or family history indicative of a highly penetrant, cancer-predisposing variant (Supp. Table 1 in Bodian DL et al 2014. PubMed ID: 24728327. This variant is reported in 0.0046% of alleles in individuals of European (non-Finnish) descent in gnomAD and has been reported as uncertain in ClinVar. At this time, the clinical significance of this variant is uncertain due to the absence of conclusive functional and genetic evidence.

ITMI
No classification provided. Condition: AllHighlyPenetrant. Last evaluated: 2013-09-19. Review status: no classification provided. Collection method: reference population. Allele origin: germline. Not counted in ClinVar's aggregate classification.
Comment: Please see associated publication for description of ethnicities

Literature cited by the submitters: PubMed 24728327 (cited by ITMI).

NM_000553.6(WRN):c.587G>A (p.Arg196His)

Gene: WRN (WRN RecQ like helicase; plus strand). Cytogenetic location: 8p12.
Variant type: single nucleotide variant.
Coding change: c.587G>A on transcript NM_000553.6 (MANE Select); coding-DNA position 587, G replaced by A.
Protein change: p.Arg196His; replaces arginine 196 with histidine.
Molecular consequence: missense variant.
Genome position (GRCh38, 1-based): chr8:31,067,115, G>A. VCF-style: chr8-31067115-G-A. GRCh37 (hg19) VCF-style: chr8-30924631-G-A.
Other names: short protein forms R196H.
Identifiers: ClinVar variation 135446 (VCV000135446.10), dbSNP rs561603992, ClinGen allele CA162788.